The following is an entry in ClinVar:

ClinVar aggregate classification (germline): Uncertain significance (1 of 4 stars; one submission).

Submission:

Labcorp Genetics (formerly Invitae), Labcorp
Classification: Uncertain significance. Last evaluated: 2022-10-17. Review status: criteria provided, single submitter. Criteria: Invitae Variant Classification Sherloc (09022015). Collection method: clinical testing. Allele origin: germline.
Comment: This variant, c.1956_1964del, results in the deletion of 3 amino acid(s) of the COL9A1 protein (p.Leu653_Gly655del), but otherwise preserves the integrity of the reading frame. This variant is present in population databases (rs777456489, gnomAD 0.001%). In summary, the available evidence is currently insufficient to determine the role of this variant in disease. Therefore, it has been classified as a Variant of Uncertain Significance. Experimental studies and prediction algorithms are not available or were not evaluated, and the functional significance of this variant is currently unknown. ClinVar contains an entry for this variant (Variation ID: 944144). This variant has not been reported in the literature in individuals affected with COL9A1-related conditions.

NM_001851.6(COL9A1):c.1956_1964del (p.650LPG[1])

Gene: COL9A1 (collagen type IX alpha 1 chain; minus strand). Cytogenetic location: 6q13.
Variant type: Deletion.
Coding change: c.1956_1964del on transcript NM_001851.6 (MANE Select); coding-DNA positions 1956 to 1964, 9 bases deleted (CTTGCCTGG; older notation c.1956_1964delCTTGCCTGG).
Protein change: p.650LPG[1].
Molecular consequence: inframe deletion. On other transcripts: non-coding transcript variant (1).
Genome position (GRCh38, 1-based): chr6:70,241,998-70,242,006, CCAGGCAAG deleted on the plus strand (CTTGCCTGG on the coding strand, the reverse complement: COL9A1 is on the minus strand); deleting any 9 consecutive bases within chr6:70,241,998-70,242,011 gives the same sequence; the c. name uses the placement nearest the transcript's 3' end. VCF-style (leftmost placement, unchanged base first): chr6-70241997-CCCAGGCAAG-C. GRCh37 (hg19) VCF-style: chr6-70951700-CCCAGGCAAG-C.
Other names: c.1257_1265del, p.417LPG[1] (NM_001377289.1); c.1227_1235del, p.407LPG[1] (NM_001377290.1, NM_078485.4).
Identifiers: ClinVar variation 944144 (VCV000944144.9), dbSNP rs777456489, ClinGen allele CA3881938.
Genomic context (GRCh38, chr6:70,241,997, plus strand): 5'-AACCTTCTGGAGTGCTGGAGCTCTTACCCTGTCACCTTTCATTCCAGGAAGTCCAGGGGG[CCCAGGCAAG>C]CCAGGGAGGCCAGGGCTACCCAGAGAACCCTGGAAAGCAAAAACAAAGTCCCCGGAGTTA-3'